The following is an entry in ClinVar:

ClinVar aggregate classification (germline): Uncertain significance. Review status: criteria provided, multiple submitters, no conflicts (2 of 4 stars). 3 submissions from 3 submitters: Uncertain significance (3). Last evaluated 2026-09-08.

Conditions:
Fabry disease. Also called: Ceramide trihexosidosis; CERAMIDE TRIHEXOSIDASE DEFICIENCY; GLA DEFICIENCY; HEREDITARY DYSTOPIC LIPIDOSIS; ALPHA-GALACTOSIDASE A DEFICIENCY; ANDERSON-FABRY DISEASE. Identifiers: Orphanet 324, MedGen C0002986, MONDO:0010526, OMIM 301500, HP:0001071. Disease mechanism: loss of function, Fabry disease is due to inactivating mutations in the X-linked GLA gene resulting in deficiency of the enzyme Alpha Galactosidase-A..
Cardiovascular phenotype. Identifiers: MedGen CN230736.

Submissions (3):

Genomenon, Inc
Classification: Uncertain significance for Fabry disease. Last evaluated: 2026-09-08. Review status: criteria provided, single submitter. Criteria: Genomenon Sequence Variant Interpretation Standards - Updated. Collection method: curation. Allele origin: germline. Affected: no.
Comment: GLA p.Glu358Asp (c.1074G>T) is a missense variant that changes the amino acid at codon 358 from Glutamic acid to Aspartic acid. This variant has been reported in the published literature (PMID:27657681). It is absent or not present at a significant frequency in gnomAD. In conclusion, we classify GLA p.Glu358Asp (c.1074G>T) as a variant of uncertain significance.

Labcorp Genetics (formerly Invitae), Labcorp
Classification: Uncertain significance for Fabry disease. Last evaluated: 2026-01-07. Review status: criteria provided, single submitter. Criteria: Invitae Variant Classification Sherloc (09022015). Collection method: clinical testing. Allele origin: germline.
Comment: This sequence change replaces glutamic acid, which is acidic and polar, with aspartic acid, which is acidic and polar, at codon 358 of the GLA protein (p.Glu358Asp). This variant is not present in population databases (gnomAD no frequency). This variant has not been reported in the literature in individuals affected with GLA-related conditions. ClinVar contains an entry for this variant (Variation ID: 1000370). Invitae Evidence Modeling of protein sequence and biophysical properties (such as structural, functional, and spatial information, amino acid conservation, physicochemical variation, residue mobility, and thermodynamic stability) indicates that this missense variant is not expected to disrupt GLA protein function with a negative predictive value of 80%. Experimental studies have shown that this missense change affects GLA function (PMID: 27657681). This variant disrupts the p.Glu358 amino acid residue in GLA. Other variant(s) that disrupt this residue have been determined to be pathogenic (PMID: 9452068, 12428061, 21598360, 26297554, 26415523). This suggests that this residue is clinically significant, and that variants that disrupt this residue are likely to be disease-causing. In summary, the available evidence is currently insufficient to determine the role of this variant in disease. Therefore, it has been classified as a Variant of Uncertain Significance.

Ambry Genetics
Classification: Uncertain significance for Cardiovascular phenotype. Last evaluated: 2025-08-01. Review status: criteria provided, single submitter. Criteria: Ambry Variant Classification Scheme 2023. Collection method: clinical testing. Allele origin: germline.
Comment: The p.E358D variant (also known as c.1074G>T), located in coding exon 7 of the GLA gene, results from a G to T substitution at nucleotide position 1074. The glutamic acid at codon 358 is replaced by aspartic acid, an amino acid with highly similar properties. This variant was reported in individual(s) with features consistent with Fabry disease (Ambry internal data). Other variants at the same codon, p.E358K (c.1072G>A), p.E358G (c.1073A>G), p.E358A (c.1073A>C), have been identified in individual(s) with features consistent with Fabry disease (Wu X et al. Hum Mutat, 2011 Aug;32:965-77; Germain DP et al. Mol Med, 2002 Jun;8:306-12). This amino acid position is highly conserved in available vertebrate species. In addition, the in silico prediction for this alteration is inconclusive. Based on the available evidence, the clinical significance of this variant remains unclear.

Literature cited by the submitters: PubMed 27657681 (cited by Genomenon, Inc and Labcorp Genetics (formerly Invitae), Labcorp); PubMed 9452068 (cited by Labcorp Genetics (formerly Invitae), Labcorp); PubMed 12428061 (cited by Labcorp Genetics (formerly Invitae), Labcorp and Ambry Genetics); PubMed 21598360 (cited by Labcorp Genetics (formerly Invitae), Labcorp and Ambry Genetics); PubMed 26297554 (cited by Labcorp Genetics (formerly Invitae), Labcorp); PubMed 26415523 (cited by Labcorp Genetics (formerly Invitae), Labcorp).

NM_000169.3(GLA):c.1074G>T (p.Glu358Asp)

Genes: GLA (galactosidase alpha; minus strand), RPL36A-HNRNPH2 (RPL36A-HNRNPH2 readthrough; plus strand). Cytogenetic location: Xq22.1.
Variant type: single nucleotide variant.
Coding change: c.1074G>T on transcript NM_000169.3 (MANE Select); coding-DNA position 1074, G replaced by T.
Protein change: p.Glu358Asp; replaces glutamic acid 358 with aspartic acid.
Molecular consequence: missense variant. On other transcripts: non-coding transcript variant (3), intron variant (2).
Genome position (GRCh38, 1-based): chrX:101,398,025, C>A on the plus strand (G>T on the coding strand, the complement: GLA is on the minus strand). VCF-style: chrX-101398025-C-A. GRCh37 (hg19) VCF-style: chrX-100653013-C-A.
Other names: c.1197G>T, p.Glu399Asp (NM_001406747.1); c.300+2568C>A (NM_001199973.2); c.177+6203C>A (NM_001199974.2); short protein forms E358D, E399D.
Identifiers: ClinVar variation 1000370 (VCV001000370.12), dbSNP rs1928133181, ClinGen allele CA413920845.